The following is an entry in ClinVar:

NM_001278512.2(AP3B2):c.856G>A (p.Ala286Thr)

Genes: AP3B2 (adaptor related protein complex 3 subunit beta 2; minus strand), CPEB1-AS1 (CPEB1 antisense RNA 1; plus strand). Cytogenetic location: 15q25.2.
Variant type: single nucleotide variant.
Coding change: c.856G>A on transcript NM_001278512.2 (MANE Select); coding-DNA position 856, G replaced by A.
Protein change: p.Ala286Thr; replaces alanine 286 with threonine.
Molecular consequence: missense variant.
Genome position (GRCh38, 1-based): chr15:82,680,671, C>T on the plus strand (G>A on the coding strand, the complement: AP3B2 is on the minus strand). VCF-style: chr15-82680671-C-T. GRCh37 (hg19) VCF-style: chr15-83349423-C-T.
Other names: c.760G>A, p.Ala254Thr (NM_001278511.2); c.856G>A, p.Ala286Thr (NM_004644.5); short protein forms A286T, A254T.
Identifiers: ClinVar variation 1908027 (VCV001908027.2), dbSNP rs775202668, ClinGen allele CA7700381.
Genomic context (GRCh38, chr15:82,680,671, plus strand): 5'-GCAGCAGCCGGTGGTCGGGGTCCATGACATAGGGCTTTCGGGAGGGGGCGGCCGCGGCGG[C>T]CGTCTCCTCAGACCCCGCGCCCTTGGCCTCGTCCTCCTCTGAGCCGTAGAAGGCTTTTTC-3'
Protein context (NP_001265441.1, residues 276-296): EAKGAGSEET[Ala286Thr]AAAAPSRKPY

ClinVar aggregate classification (germline): Uncertain significance (1 of 4 stars; one submission).

Allele frequency attached by ClinVar (database versions not stated): gnomAD exomes below 0.00001; ExAC 0.00001; gnomAD 0.00001; TOPMed 0.00001.
gnomAD v4.1: 4 of 1,578,834 alleles (0.00025%); highest among the groups gnomAD compares: Non-Finnish European, 0.00034%; no homozygotes.

Submission:

Labcorp Genetics (formerly Invitae), Labcorp
Classification: Uncertain significance. Last evaluated: 2022-04-09. Review status: criteria provided, single submitter. Criteria: Invitae Variant Classification Sherloc (09022015). Collection method: clinical testing. Allele origin: germline.
Comment: This sequence change replaces alanine, which is neutral and non-polar, with threonine, which is neutral and polar, at codon 286 of the AP3B2 protein (p.Ala286Thr). This variant is present in population databases (rs775202668, gnomAD 0.001%). This variant has not been reported in the literature in individuals affected with AP3B2-related conditions. Algorithms developed to predict the effect of missense changes on protein structure and function output the following: SIFT: "Tolerated"; PolyPhen-2: "Benign"; Align-GVGD: "Class C0". The threonine amino acid residue is found in multiple mammalian species, which suggests that this missense change does not adversely affect protein function. In summary, the available evidence is currently insufficient to determine the role of this variant in disease. Therefore, it has been classified as a Variant of Uncertain Significance.